The following is an entry in ClinVar:

ClinVar aggregate classification (germline): Likely pathogenic (1 of 4 stars; one submission).

Conditions:
Charcot-Marie-Tooth disease type 4. Also called: Charcot-Marie-Tooth disease, type IV; Charcot-Marie-Tooth, Type 4. Identifiers: Orphanet 64749, MedGen C4082197, MONDO:0018995.

Submission:

Labcorp Genetics (formerly Invitae), Labcorp
Classification: Likely pathogenic for Charcot-Marie-Tooth disease type 4. Last evaluated: 2018-04-19. Review status: criteria provided, single submitter. Criteria: Invitae Variant Classification Sherloc (09022015). Collection method: clinical testing. Allele origin: germline.
Comment: In summary, the currently available evidence indicates that the variant is pathogenic, but additional data are needed to prove that conclusively. Therefore, this variant has been classified as Likely Pathogenic. Donor and acceptor splice site variants typically lead to a loss of protein function (PMID: 16199547), and loss-of-function variants in SH3TC2 are known to be pathogenic (PMID: 20220177, 27068304). Algorithms developed to predict the effect of sequence changes on RNA splicing suggest that this variant may disrupt the consensus splice site, but this prediction has not been confirmed by published transcriptional studies. This variant has not been reported in the literature in individuals with SH3TC2-related disease. This variant is not present in population databases (ExAC no frequency). This sequence change affects an acceptor splice site in intron 3 of the SH3TC2 gene. It is expected to disrupt RNA splicing and likely results in an absent or disrupted protein product.

Literature cited by the submitters: PubMed 16199547; PubMed 20220177; PubMed 27068304.

NM_024577.4(SH3TC2):c.280-2A>G

Gene: SH3TC2 (SH3 domain and tetratricopeptide repeats 2; minus strand). Cytogenetic location: 5q32.
Variant type: single nucleotide variant.
Coding change: c.280-2A>G on transcript NM_024577.4 (MANE Select); the canonical splice acceptor site of the intron before coding-DNA position 280, A replaced by G.
Molecular consequence: splice acceptor variant.
Genome position (GRCh38, 1-based): chr5:149,044,640, T>C on the plus strand (A>G on the coding strand, the complement: SH3TC2 is on the minus strand). VCF-style: chr5-149044640-T-C. GRCh37 (hg19) VCF-style: chr5-148424203-T-C.
Identifiers: ClinVar variation 582078 (VCV000582078.7), dbSNP rs1561770798, ClinGen allele CA361677040.